The following is an entry in ClinVar:

NM_001145358.2(SIN3A):c.1385C>A (p.Thr462Lys)

Gene: SIN3A (SIN3 transcription regulator family member A; minus strand). Cytogenetic location: 15q24.2.
Variant type: single nucleotide variant.
Coding change: c.1385C>A on transcript NM_001145358.2 (MANE Select); coding-DNA position 1385, C replaced by A.
Protein change: p.Thr462Lys; replaces threonine 462 with lysine.
Molecular consequence: missense variant.
Genome position (GRCh38, 1-based): chr15:75,407,077, G>T on the plus strand (C>A on the coding strand, the complement: SIN3A is on the minus strand). VCF-style: chr15-75407077-G-T. GRCh37 (hg19) VCF-style: chr15-75699418-G-T.
Other names: c.1385C>A, p.Thr462Lys (NM_001145357.2, NM_015477.3); short protein forms T462K.
Identifiers: ClinVar variation 2663138 (VCV002663138.3), dbSNP rs2542665082, ClinGen allele CA393439554.

ClinVar aggregate classification (germline): Uncertain significance. Review status: criteria provided, multiple submitters, no conflicts (2 of 4 stars). 2 submissions from 2 submitters: Uncertain significance (2). Last evaluated 2024-10-31.

Submissions (2):

Labcorp Genetics (formerly Invitae), Labcorp
Classification: Uncertain significance. Last evaluated: 2024-10-31. Review status: criteria provided, single submitter. Criteria: Invitae Variant Classification Sherloc (09022015). Collection method: clinical testing. Allele origin: germline.
Comment: This sequence change replaces threonine, which is neutral and polar, with lysine, which is basic and polar, at codon 462 of the SIN3A protein (p.Thr462Lys). This variant is not present in population databases (gnomAD no frequency). This variant has not been reported in the literature in individuals affected with SIN3A-related conditions. ClinVar contains an entry for this variant (Variation ID: 2663138). Invitae Evidence Modeling of protein sequence and biophysical properties (such as structural, functional, and spatial information, amino acid conservation, physicochemical variation, residue mobility, and thermodynamic stability) indicates that this missense variant is not expected to disrupt SIN3A protein function with a negative predictive value of 80%. In summary, the available evidence is currently insufficient to determine the role of this variant in disease. Therefore, it has been classified as a Variant of Uncertain Significance.

GeneDx
Classification: Uncertain significance. Last evaluated: 2023-04-04. Review status: criteria provided, single submitter. Criteria: GeneDx Variant Classification Process June 2021. Collection method: clinical testing. Allele origin: germline. Affected: yes.
Comment: Not observed at significant frequency in large population cohorts (gnomAD); In silico analysis supports that this missense variant does not alter protein structure/function; Has not been previously published as pathogenic or benign to our knowledge